The following is an entry in ClinVar:

ClinVar aggregate classification (germline): Likely pathogenic (1 of 4 stars; one submission).

Conditions:
Mitochondrial complex I deficiency. Also called: NADH:Q(1) OXIDOREDUCTASE DEFICIENCY. Identifiers: Orphanet 2609, MedGen C1838979, MeSH C537475, MONDO:0100133.

Submission:

Natera, Inc.
Classification: Likely pathogenic for Mitochondrial complex I deficiency. Last evaluated: 2024-05-07. Review status: criteria provided, single submitter. Criteria: Natera Variant Classification Schema (03/2026). Collection method: clinical testing. Allele origin: germline.
Comment: The c.397_409del variant in NDUFAF5 is a frameshift variant predicted to shift the reading frame beginning at codon 133 and leads to a stop codon 3 codons downstream. This variant is expected to result in nonsense mediated decay, truncation, or a dysfunctional protein product. This variant is rare in the general population with a frequency below the threshold expected for the associated phenotype(s). Given the available evidence, this variant is classified as Likely Pathogenic.

NM_024120.5(NDUFAF5):c.397_409del (p.Ile133fs)

Gene: NDUFAF5 (NADH:ubiquinone oxidoreductase complex assembly factor 5; plus strand). Cytogenetic location: 20p12.1.
Variant type: Deletion.
Coding change: c.397_409del on transcript NM_024120.5 (MANE Select); coding-DNA positions 397 to 409, 13 bases deleted (ATACCTACTGTCA).
Protein change: p.Ile133fs; shifts the reading frame from isoleucine 133.
Molecular consequence: frameshift variant. On other transcripts: 5 prime UTR variant (2), non-coding transcript variant (5), intron variant (2).
Genome position (GRCh38, 1-based): chr20:13,794,859-13,794,871, ATACCTACTGTCA deleted; deleting any 13 consecutive bases within chr20:13,794,858-13,794,871 gives the same sequence; the c. name uses the placement nearest the transcript's 3' end. VCF-style (leftmost placement, unchanged base first): chr20-13794857-AAATACCTACTGTC-A. GRCh37 (hg19) VCF-style: chr20-13775503-AAATACCTACTGTC-A.
Other names: c.-165_-153del (NM_001352406.2, NM_001352407.2); c.397_409del, p.Ile133fs (NM_001352408.2); c.395+1632_395+1644del (NM_001039375.3); c.8+1632_8+1644del (NM_001352403.2); short protein forms I133fs.
Identifiers: ClinVar variation 4816124 (VCV004816124.1).